The following is an entry in ClinVar:

ClinVar aggregate classification (germline): Uncertain significance (1 of 4 stars; one submission).

Conditions:
RASopathy. Also called: rasopathies; Noonan spectrum disorder. Identifiers: Orphanet 536391, MedGen C5555857, MONDO:0021060.

gnomAD v4.1: 2 of 1,614,062 alleles (0.00012%); highest among the groups gnomAD compares: Admixed American, 0.0017%; no homozygotes.

Submission:

Labcorp Genetics (formerly Invitae), Labcorp
Classification: Uncertain significance for RASopathy. Last evaluated: 2025-07-29. Review status: criteria provided, single submitter. Criteria: Invitae Variant Classification Sherloc (09022015). Collection method: clinical testing. Allele origin: germline.
Comment: This sequence change replaces alanine, which is neutral and non-polar, with valine, which is neutral and non-polar, at codon 237 of the RAF1 protein (p.Ala237Val). This variant is not present in population databases (gnomAD no frequency). This variant has not been reported in the literature in individuals affected with RAF1-related conditions. Invitae Evidence Modeling incorporating data from in vitro experimental studies (internal data) indicates that this missense variant is not expected to disrupt RAF1 function with a negative predictive value of 95%. In summary, the available evidence is currently insufficient to determine the role of this variant in disease. Therefore, it has been classified as a Variant of Uncertain Significance.

NM_002880.4(RAF1):c.710C>T (p.Ala237Val)

Gene: RAF1 (Raf-1 proto-oncogene, serine/threonine kinase; minus strand). Cytogenetic location: 3p25.2.
Variant type: single nucleotide variant.
Coding change: c.710C>T on transcript NM_002880.4 (MANE Select); coding-DNA position 710, C replaced by T.
Protein change: p.Ala237Val; replaces alanine 237 with valine.
Molecular consequence: missense variant. On other transcripts: non-coding transcript variant (3).
Genome position (GRCh38, 1-based): chr3:12,604,260, G>A on the plus strand (C>T on the coding strand, the complement: RAF1 is on the minus strand). VCF-style: chr3-12604260-G-A. GRCh37 (hg19) VCF-style: chr3-12645759-G-A.
Other names: c.710C>T, p.Ala237Val (NM_001354689.3, NM_001354690.3); c.467C>T, p.Ala156Val (NM_001354691.3, NM_001354692.3, NM_001354694.3); c.611C>T, p.Ala204Val (NM_001354693.3); c.368C>T, p.Ala123Val (NM_001354695.3); short protein forms A123V, A156V, A204V, A237V.
Identifiers: ClinVar variation 4801596 (VCV004801596.1).